The following is an entry in ClinVar:

NM_004380.3(CREBBP):c.5992G>T (p.Val1998Leu)

Gene: CREBBP (CREB binding lysine acetyltransferase; minus strand). Cytogenetic location: 16p13.3.
Variant type: single nucleotide variant.
Coding change: c.5992G>T on transcript NM_004380.3 (MANE Select); coding-DNA position 5992, G replaced by T.
Protein change: p.Val1998Leu; replaces valine 1998 with leucine.
Molecular consequence: missense variant.
Genome position (GRCh38, 1-based): chr16:3,729,055, C>A on the plus strand (G>T on the coding strand, the complement: CREBBP is on the minus strand). VCF-style: chr16-3729055-C-A. GRCh37 (hg19) VCF-style: chr16-3779056-C-A.
Other names: c.5878G>T, p.Val1960Leu (NM_001079846.1); c.5992G>T (NM_004380.2); short protein forms V1960L, V1998L.
Identifiers: ClinVar variation 3580594 (VCV003580594.4).

ClinVar aggregate classification (germline): Conflicting classifications of pathogenicity. Review status: criteria provided, conflicting classifications (1 of 4 stars). 3 submissions from 3 submitters: Uncertain significance (2); Benign (1). Last evaluated 2025-03-07.

Conditions:
Rubinstein-Taybi syndrome (RSTS). Identifiers: Orphanet 783, MedGen C0035934, MONDO:0019188.
Menke-Hennekam syndrome 1 (MKHK1). Identifiers: MedGen C5193034, MONDO:0020763, OMIM 618332.
Rubinstein-Taybi syndrome due to CREBBP mutations (RSTS1). Also called: RUBINSTEIN-TAYBI SYNDROME 1, INCOMPLETE; BROAD THUMB-HALLUX SYNDROME; RUBINSTEIN SYNDROME; BROAD THUMBS AND GREAT TOES, CHARACTERISTIC FACIES, AND IMPAIRED INTELLECTUAL DEVELOPMENT; Rubinstein-Taybi syndrome 1; CREBBP-Related Rubinstein-Taybi Syndrome. Identifiers: Orphanet 353277, Orphanet 783, MedGen C4551859, MONDO:0008393, OMIM 180849.
CREBBP-related disorder. Also called: CREBBP-related disorders; CREBBP-related condition.

gnomAD v4.1: 33 of 1,585,018 alleles (0.0021%); highest among the groups gnomAD compares: Non-Finnish European, 0.002%; no homozygotes.

Submissions (3):

PreventionGenetics, part of Exact Sciences
Classification: Uncertain significance for CREBBP-related condition. Last evaluated: 2025-03-07. Review status: criteria provided, single submitter. Criteria: ACMG Guidelines, 2015. Collection method: clinical testing. Allele origin: germline.
Comment: The CREBBP c.5992G>T variant is predicted to result in the amino acid substitution p.Val1998Leu. To our knowledge, this variant has not been reported in the literature. This variant is reported in 0.011% of alleles in individuals of Ashkenazi Jewish descent in gnomAD. Although we suspect that this variant may be benign, at this time, the clinical significance of this variant is uncertain due to the absence of conclusive functional and genetic evidence.

Labcorp Genetics (formerly Invitae), Labcorp
Classification: Benign for Rubinstein-Taybi syndrome. Last evaluated: 2025-01-07. Review status: criteria provided, single submitter. Criteria: Invitae Variant Classification Sherloc (09022015). Collection method: clinical testing. Allele origin: germline.

Fulgent Genetics
Classification: Uncertain significance for Rubinstein-Taybi syndrome due to CREBBP mutations; Menke-Hennekam syndrome 1. Last evaluated: 2024-01-16. Review status: criteria provided, single submitter. Criteria: ACMG Guidelines, 2015. Collection method: clinical testing. Allele origin: germline.